The following is an entry in ClinVar:

NM_000540.3(RYR1):c.9071T>A (p.Val3024Glu)

Gene: RYR1 (ryanodine receptor 1; plus strand). Cytogenetic location: 19q13.2.
Variant type: single nucleotide variant.
Coding change: c.9071T>A on transcript NM_000540.3 (MANE Select); coding-DNA position 9071, T replaced by A.
Protein change: p.Val3024Glu; replaces valine 3024 with glutamic acid.
Molecular consequence: missense variant.
Genome position (GRCh38, 1-based): chr19:38,510,730, T>A. VCF-style: chr19-38510730-T-A. GRCh37 (hg19) VCF-style: chr19-39001370-T-A.
Other names: c.9071T>A, p.Val3024Glu (NM_001042723.2); short protein forms V3024E.
Identifiers: ClinVar variation 3073126 (VCV003073126.1), dbSNP rs1568519356, ClinGen allele CA405683825.

ClinVar aggregate classification (germline): Uncertain significance (1 of 4 stars; one submission).

Conditions:
Malignant hyperthermia, susceptibility to, 1 (MHS1). Also called: Anesthesia related hyperthermia; Malignant hyperpyrexia; Fulminating hyperpyrexia; Pharmacogenic myopathy; RYR1-Related Malignant Hyperthermia Susceptibility; Malignant hyperthermia suceptibility 1. Identifiers: Orphanet 423, MedGen C2930980, MONDO:0007783, OMIM 145600.

Allele frequency attached by ClinVar (database versions not stated): gnomAD exomes 0.00001.
gnomAD v4.1: 4 of 1,614,070 alleles (0.00025%); highest among the groups gnomAD compares: Non-Finnish European, 0.00025%; no homozygotes.

Submission:

All of Us Research Program, National Institutes of Health
Classification: Uncertain significance for Malignant hyperthermia, susceptibility to, 1. Last evaluated: 2023-11-30. Review status: criteria provided, single submitter. Criteria: ACMG Guidelines, 2015. Collection method: clinical testing. Allele origin: germline. Inheritance: Autosomal dominant inheritance. Observed: 2 variant alleles, 2 heterozygotes.
Comment: This missense variant replaces valine with glutamic acid at codon 3024 of the RYR1 protein. Computational prediction suggests that this variant may not impact protein structure and function (internally defined REVEL score threshold <= 0.5, PMID: 27666373). To our knowledge, functional studies have not been reported for this variant. This variant has not been reported in individuals affected with RYR1-related disorders in the literature. This variant has been identified in 1/251490 chromosomes in the general population by the Genome Aggregation Database (gnomAD). The available evidence is insufficient to determine the role of this variant in disease conclusively. Therefore, this variant is classified as a Variant of Uncertain Significance.

This study involves interpretation of variants in research participants for the purpose of population health screening. Participant phenotype was not available at the time of variant classification. Additional details can be found in publication PMID: 35346344, PMCID: PMC8962531